The following is an entry in ClinVar:

NM_000455.5(STK11):c.281A>G (p.Asn94Ser)

Gene: STK11 (serine/threonine kinase 11; plus strand). Cytogenetic location: 19p13.3.
Variant type: single nucleotide variant.
Coding change: c.281A>G on transcript NM_000455.5 (MANE Select); coding-DNA position 281, A replaced by G.
Protein change: p.Asn94Ser; replaces asparagine 94 with serine.
Molecular consequence: missense variant.
Genome position (GRCh38, 1-based): chr19:1,207,194, A>G. VCF-style: chr19-1207194-A-G. GRCh37 (hg19) VCF-style: chr19-1207193-A-G.
Other names: c.281A>G (NM_000455.4); short protein forms N94S.
Identifiers: ClinVar variation 1064172 (VCV001064172.12), dbSNP rs2145405999, ClinGen allele CA402944623.

ClinVar aggregate classification (germline): Conflicting classifications of pathogenicity. Review status: criteria provided, conflicting classifications (1 of 4 stars). 3 submissions from 3 submitters: Uncertain significance (2); Likely benign (1). Last evaluated 2026-08-28.

Conditions:
Hereditary cancer-predisposing syndrome. Also called: Tumor predisposition; Hereditary Cancer Syndrome; Hereditary neoplastic syndrome; Neoplastic Syndromes, Hereditary. Identifiers: Orphanet 140162, MedGen C0027672, MeSH D009386, MONDO:0015356.
Peutz-Jeghers syndrome (PJS). Also called: POLYPOSIS, HAMARTOMATOUS INTESTINAL; POLYPS-AND-SPOTS SYNDROME; Peutz-Jeghers polyposis; Periorificial lentiginosis syndrome. Identifiers: Orphanet 2869, MedGen C0031269, MeSH D010580, MONDO:0008280, OMIM 175200.

Submissions (3):

Ambry Genetics
Classification: Likely benign for Hereditary cancer-predisposing syndrome. Last evaluated: 2026-08-28. Review status: criteria provided, single submitter. Criteria: Ambry Variant Classification Scheme 2023. Collection method: clinical testing. Allele origin: germline.

All of Us Research Program, National Institutes of Health
Classification: Uncertain significance for Peutz-Jeghers syndrome. Last evaluated: 2024-06-17. Review status: criteria provided, single submitter. Criteria: ACMG Guidelines, 2015. Collection method: clinical testing. Allele origin: germline. Inheritance: Autosomal dominant inheritance. Observed: 1 variant allele, 1 heterozygote.
Comment: This missense variant replaces asparagine with serine at codon 94 of the STK11 protein. Computational prediction suggests that this variant may not impact protein structure and function. To our knowledge, functional studies have not been reported for this variant. This variant has not been reported in individuals affected with STK11-related disorders in the literature. This variant has not been identified in the general population by the Genome Aggregation Database (gnomAD). The available evidence is insufficient to determine the role of this variant in disease conclusively. Therefore, this variant is classified as a Variant of Uncertain Significance.

This study involves interpretation of variants in research participants for the purpose of population health screening. Participant phenotype was not available at the time of variant classification. Additional details can be found in publication PMID: 35346344, PMCID: PMC8962531

Labcorp Genetics (formerly Invitae), Labcorp
Classification: Uncertain significance for Peutz-Jeghers syndrome. Last evaluated: 2020-06-01. Review status: criteria provided, single submitter. Criteria: Invitae Variant Classification Sherloc (09022015). Collection method: clinical testing. Allele origin: germline.
Comment: This variant has not been reported in the literature in individuals with STK11-related conditions. This sequence change replaces asparagine with serine at codon 94 of the STK11 protein (p.Asn94Ser). The asparagine residue is highly conserved and there is a small physicochemical difference between asparagine and serine. This variant is not present in population databases (ExAC no frequency). Algorithms developed to predict the effect of missense changes on protein structure and function (SIFT, PolyPhen-2, Align-GVGD) all suggest that this variant is likely to be disruptive, but these predictions have not been confirmed by published functional studies and their clinical significance is uncertain. In summary, the available evidence is currently insufficient to determine the role of this variant in disease. Therefore, it has been classified as a Variant of Uncertain Significance.